The following is an entry in ClinVar:

ClinVar aggregate classification (germline): Pathogenic (1 of 4 stars; one submission).

Submission:

Labcorp Genetics (formerly Invitae), Labcorp
Classification: Pathogenic. Last evaluated: 2020-11-02. Review status: criteria provided, single submitter. Criteria: Invitae Variant Classification Sherloc (09022015). Collection method: clinical testing. Allele origin: germline.
Comment: The region of the ERCC8 gene that includes exon(s) 5-11 has been determined to be clinically significant (Invitae). Therefore, deletions that encompass that region are likely to disrupt protein function and cause disease. For these reasons, this variant has been classified as Pathogenic. This variant has not been reported in the literature in individuals with ERCC8-related conditions. This variant is a gross deletion of the genomic region encompassing exon(s) 2-12 of the ERCC8 gene. The 5' boundary is likely confined to intron1. The 3' end of this event is unknown as it extends through the termination codon beyond the assayed region for this gene and may encompass additional genes. While this deletion is not anticipated to result in nonsense mediated decay, it is expected to create a truncated protein product or disrupt mRNA translation.

NC_000005.9:g.(?_60170432)_(60224796_?)del

Gene: ERCC8 (ERCC excision repair 8, CSA ubiquitin ligase complex subunit; minus strand). Cytogenetic location: 5q12.1.
Variant type: Deletion.
Identifiers: ClinVar variation 1074547 (VCV001074547.7).